The following is an entry in ClinVar:

ClinVar aggregate classification (germline): Conflicting classifications of pathogenicity. Review status: criteria provided, conflicting classifications (1 of 4 stars). 20 submissions from 16 submitters: Uncertain significance (3); Benign (4); Likely benign (9). 4 of the submissions do not count toward it. Last evaluated 2026-01-28.

Conditions:
TTN-related disorder. Also called: TTN-related condition; TTN-related disease; TTN-related disorders.
Dilated cardiomyopathy 1G (CMD1G). Identifiers: Orphanet 154, MedGen C1858763, MONDO:0011400, OMIM 604145.
Autosomal recessive limb-girdle muscular dystrophy type 2J (LGMDR10). Also called: Limb-girdle muscular dystrophy, type 2J; MUSCULAR DYSTROPHY, LIMB-GIRDLE, AUTOSOMAL RECESSIVE 10. Identifiers: Orphanet 140922, MedGen C1837342, MONDO:0012127, OMIM 608807.
Cardiomyopathy (CMYO). Also called: Cardiomyopathies. Identifiers: Orphanet 167848, MedGen C0878544, MONDO:0004994, HP:0001638. Inheritance: Various modes of inheritance.
Early-onset myopathy with fatal cardiomyopathy (CMYO5). Also called: Salih Myopathy; CONGENITAL MYOPATHY 5 WITH CARDIOMYOPATHY. Identifiers: Orphanet 289377, MedGen C2673677, MONDO:0012714, OMIM 611705. Disease mechanism: loss of function.
Myopathy, myofibrillar, 9, with early respiratory failure (MFM9). Also called: Hereditary myopathy with early respiratory failure; Myopathy, distal, with early respiratory failure, autosomal dominant; EDSTROM MYOPATHY; MYOPATHY, PROXIMAL, WITH EARLY RESPIRATORY MUSCLE INVOLVEMENT. Identifiers: Orphanet 178464, Orphanet 34521, MedGen C1863599, MONDO:0011362, OMIM 603689.
Tibial muscular dystrophy (TMD). Also called: Udd Distal Myopathy – Tibial Muscular Dystrophy; Tibial muscular dystrophy, tardive; UDD MYOPATHY. Identifiers: Orphanet 609, MedGen C1838244, MONDO:0010870, OMIM 600334.

Allele frequency attached by ClinVar (database versions not stated): ESP Exome Variant Server 0.00034; gnomAD exomes 0.00042 and 0.00044; ExAC 0.00045; gnomAD 0.00049 and 0.00050; TOPMed 0.00060.

Submissions (20):

Labcorp Genetics (formerly Invitae), Labcorp
Classification: Likely benign for Dilated cardiomyopathy 1G; Autosomal recessive limb-girdle muscular dystrophy type 2J. Last evaluated: 2026-01-28. Review status: criteria provided, single submitter. Criteria: Invitae Variant Classification Sherloc (09022015). Collection method: clinical testing. Allele origin: germline.

CeGaT Center for Human Genetics Tuebingen
Classification: Likely benign. Last evaluated: 2025-09-01. Review status: criteria provided, single submitter. Criteria: CeGaT Center For Human Genetics Tuebingen Variant Classification Criteria Version 2. Collection method: clinical testing. Allele origin: germline. Affected: yes. Observed: 4 variant alleles.
Comment: TTN: BP4, BP7

Molecular Diagnostic Laboratory for Inherited Cardiovascular Disease, Montreal Heart Institute
Classification: Likely benign. Last evaluated: 2025-04-09. Review status: criteria provided, single submitter. Criteria: ACMG Guidelines, 2015. Collection method: clinical testing. Allele origin: germline. Affected: no.

Women's Health and Genetics/Laboratory Corporation of America, LabCorp
Classification: Benign. Last evaluated: 2024-12-16. Review status: criteria provided, single submitter. Criteria: LabCorp Variant Classification Summary - May 2015. Collection method: clinical testing. Allele origin: germline.

Blueprint Genetics
Classification: Likely benign. Last evaluated: 2024-09-13. Review status: criteria provided, single submitter. Criteria: ACMG Guidelines, 2015. Collection method: clinical testing. Allele origin: germline.

GeneDx
Classification: Likely benign. Last evaluated: 2021-06-03. Review status: criteria provided, single submitter. Criteria: GeneDx Variant Classification Process June 2021. Collection method: clinical testing. Allele origin: germline. Affected: yes.

ARUP Laboratories, Molecular Genetics and Genomics, ARUP Laboratories
Classification: Likely benign. Last evaluated: 2019-10-07. Review status: criteria provided, single submitter. Criteria: ARUP Molecular Germline Variant Investigation Process. Collection method: clinical testing. Allele origin: germline.

Illumina Laboratory Services, Illumina
Classification: Uncertain significance for Early-onset myopathy with fatal cardiomyopathy. Last evaluated: 2018-01-13. Review status: criteria provided, single submitter. Criteria: ICSL Variant Classification Criteria 13 December 2019. Collection method: clinical testing. Allele origin: germline.

Illumina Laboratory Services, Illumina
Classification: Uncertain significance for Autosomal recessive limb-girdle muscular dystrophy type 2J. Last evaluated: 2018-01-13. Review status: criteria provided, single submitter. Criteria: ICSL Variant Classification Criteria 13 December 2019. Collection method: clinical testing. Allele origin: germline.

Illumina Laboratory Services, Illumina
Classification: Uncertain significance for Dilated cardiomyopathy 1G. Last evaluated: 2018-01-13. Review status: criteria provided, single submitter. Criteria: ICSL Variant Classification Criteria 13 December 2019. Collection method: clinical testing. Allele origin: germline.

Illumina Laboratory Services, Illumina
Classification: Benign for Tibial muscular dystrophy. Last evaluated: 2018-01-13. Review status: criteria provided, single submitter. Criteria: ICSL Variant Classification Criteria 13 December 2019. Collection method: clinical testing. Allele origin: germline.
Comment: This variant was observed in the ICSL laboratory as part of a predisposition screen in an ostensibly healthy population. It had not been previously curated by ICSL or reported in the Human Gene Mutation Database (HGMD: prior to June 1st, 2018), and was therefore a candidate for classification through an automated scoring system. Utilizing variant allele frequency, disease prevalence and penetrance estimates, and inheritance mode, an automated score was calculated to assess if this variant is too frequent to cause the disease. Based on the score and internal cut-off values, a variant classified as benign is not then subjected to further curation. The score for this variant resulted in a classification of benign for this disease.

Illumina Laboratory Services, Illumina
Classification: Benign for Myopathy, myofibrillar, 9, with early respiratory failure. Last evaluated: 2018-01-13. Review status: criteria provided, single submitter. Criteria: ICSL Variant Classification Criteria 13 December 2019. Collection method: clinical testing. Allele origin: germline.
Comment: the same text as in the submission from Illumina Laboratory Services, Illumina above.

CHEO Genetics Diagnostic Laboratory, Children's Hospital of Eastern Ontario
Classification: Benign for Cardiomyopathy. Last evaluated: 2018-01-02. Review status: criteria provided, single submitter. Criteria: ACMG Guidelines, 2015. Collection method: clinical testing. Allele origin: germline.

Genetic Services Laboratory, University of Chicago
Classification: Likely benign. Last evaluated: 2016-06-10. Review status: criteria provided, single submitter. Criteria: ACMG Guidelines, 2015. Collection method: clinical testing. Allele origin: germline. Affected: no.

Laboratory for Molecular Medicine, Mass General Brigham Personalized Medicine
Classification: Likely benign. Last evaluated: 2015-08-03. Review status: criteria provided, single submitter. Criteria: LMM Criteria. Collection method: clinical testing. Allele origin: germline. Observed: 4 variant alleles.
Comment: p.Pro9358Pro in exon 119 of TTN: This variant is not expected to have clinical s ignificance because it does not alter an amino acid residue and is not located w ithin the splice consensus sequence. It has been identified in 0.1% (46/66710) o f European chromosomes by the Exome Aggregation Consortium (ExAC; dbSNP rs370080995).

Eurofins Ntd Llc (ga)
Classification: Likely benign. Last evaluated: 2015-04-13. Review status: criteria provided, single submitter. Criteria: EGL Classification Definitions 2015. Collection method: clinical testing. Allele origin: germline. Observed: 1 variant allele, 1 heterozygote.

PreventionGenetics, part of Exact Sciences
Classification: Likely benign for TTN-related condition. Last evaluated: 2019-02-22. Review status: no assertion criteria provided. Collection method: clinical testing. Allele origin: germline. Not counted in ClinVar's aggregate classification.
Comment: This variant is classified as likely benign based on ACMG/AMP sequence variant interpretation guidelines (Richards et al. 2015 PMID: 25741868, with internal and published modifications).

Clinical Genetics DNA and cytogenetics Diagnostics Lab, Erasmus MC, Erasmus Medical Center
Classification: Likely benign. Review status: no assertion criteria provided. Collection method: clinical testing. Allele origin: germline. Affected: yes. Study: VKGL Data-share Consensus. Not counted in ClinVar's aggregate classification.

Diagnostic Laboratory, Department of Genetics, University Medical Center Groningen
Classification: Likely benign. Review status: no assertion criteria provided. Collection method: clinical testing. Allele origin: germline. Affected: yes. Study: VKGL Data-share Consensus. Not counted in ClinVar's aggregate classification.

Joint Genome Diagnostic Labs from Nijmegen and Maastricht, Radboudumc and MUMC+
Classification: Benign. Review status: no assertion criteria provided. Collection method: clinical testing. Allele origin: germline. Affected: yes. Study: VKGL Data-share Consensus. Not counted in ClinVar's aggregate classification.

NM_001267550.2(TTN):c.31806C>T (p.Pro10602=)

Gene: TTN (titin; minus strand). Cytogenetic location: 2q31.2.
Variant type: single nucleotide variant.
Coding change: c.31806C>T on transcript NM_001267550.2 (MANE Select); coding-DNA position 31806, C replaced by T.
Protein change: p.Pro10602=; no amino-acid change (proline 10602 retained).
Molecular consequence: synonymous variant. On other transcripts: intron variant (3).
Genome position (GRCh38, 1-based): chr2:178,689,853, G>A on the plus strand (C>T on the coding strand, the complement: TTN is on the minus strand). VCF-style: chr2-178689853-G-A. GRCh37 (hg19) VCF-style: chr2-179554580-G-A.
Other names: c.30855C>T, p.Pro10285= (NM_001256850.1); c.28074C>T, p.Pro9358= (NM_133378.4); c.13283-47536C>T (NM_003319.4); c.13859-47536C>T (NM_133437.4); c.13658-47536C>T (NM_133432.3).
Identifiers: ClinVar variation 46857 (VCV000046857.75), dbSNP rs370080995, ClinGen allele CA139371.